The following is an entry in ClinVar:

NM_173689.7(CRB2):c.2291G>A (p.Arg764Gln)

Gene: CRB2 (crumbs cell polarity complex component 2; plus strand). Cytogenetic location: 9q33.3.
Variant type: single nucleotide variant.
Coding change: c.2291G>A on transcript NM_173689.7 (MANE Select); coding-DNA position 2291, G replaced by A.
Protein change: p.Arg764Gln; replaces arginine 764 with glutamine.
Molecular consequence: missense variant. On other transcripts: non-coding transcript variant (1).
Genome position (GRCh38, 1-based): chr9:123,371,433, G>A. VCF-style: chr9-123371433-G-A. GRCh37 (hg19) VCF-style: chr9-126133712-G-A.
Other names: c.2291G>A (NM_173689.5); short protein forms R764Q.
Identifiers: ClinVar variation 3363270 (VCV003363270.2).
Genomic context (GRCh38, chr9:123,371,433, plus strand): 5'-ACGTGCACGTGGGTGGGAGGCTCCTTGCTGCCGACAGCCAGCCCTGGGGTGGGCCCTTCC[G>A]AGGCTGCCTCCAGGACCTGCGACTCGATGGCTGCCACCTCCCCTTCTTTCCTCTGCCACT-3'
Protein context (NP_775960.4, residues 754-774): ADSQPWGGPF[Arg764Gln]GCLQDLRLDG

ClinVar aggregate classification (germline): Uncertain significance. Review status: criteria provided, multiple submitters, no conflicts (2 of 4 stars). 2 submissions from 2 submitters: Uncertain significance (2). Last evaluated 2025-11-13.

Conditions:
Inborn genetic diseases. Identifiers: MedGen C0950123, MeSH D030342.

gnomAD v4.1: 17 of 1,611,644 alleles (0.0011%); highest among the groups gnomAD compares: South Asian, 0.013%; no homozygotes.

Submissions (2):

Ambry Genetics
Classification: Uncertain significance for Inborn genetic diseases. Last evaluated: 2025-11-13. Review status: criteria provided, single submitter. Criteria: Ambry Variant Classification Scheme 2023. Collection method: clinical testing. Allele origin: germline.

GeneDx
Classification: Uncertain significance. Last evaluated: 2023-10-22. Review status: criteria provided, single submitter. Criteria: GeneDx Variant Classification Process June 2021. Collection method: clinical testing. Allele origin: germline. Affected: yes.
Comment: In silico analysis supports that this missense variant does not alter protein structure/function; Has not been previously published as pathogenic or benign to our knowledge